The following is an entry in ClinVar:

ClinVar aggregate classification (germline): Uncertain significance. Review status: criteria provided, multiple submitters, no conflicts (2 of 4 stars). 2 submissions from 2 submitters: Uncertain significance (2). Last evaluated 2023-02-17.

Allele frequency attached by ClinVar (database versions not stated): 1000 Genomes Project 30x 0.00016; ExAC 0.00018; ESP Exome Variant Server 0.00040.
gnomAD v4.1: 131 of 1,551,704 alleles (0.0084%); highest among the groups gnomAD compares: African/African-American, 0.17%; no homozygotes.

Submissions (2):

Labcorp Genetics (formerly Invitae), Labcorp
Classification: Uncertain significance. Last evaluated: 2023-02-17. Review status: criteria provided, single submitter. Criteria: Invitae Variant Classification Sherloc (09022015). Collection method: clinical testing. Allele origin: germline.
Comment: This sequence change replaces valine, which is neutral and non-polar, with leucine, which is neutral and non-polar, at codon 5 of the MRPL40 protein (p.Val5Leu). This variant is present in population databases (rs199863614, gnomAD 0.2%), and has an allele count higher than expected for a pathogenic variant. This variant has not been reported in the literature in individuals affected with MRPL40-related conditions. An algorithm developed to predict the effect of missense changes on protein structure and function (PolyPhen-2) suggests that this variant is likely to be tolerated. In summary, the available evidence is currently insufficient to determine the role of this variant in disease. Therefore, it has been classified as a Variant of Uncertain Significance.

Ambry Genetics
Classification: Uncertain significance. Last evaluated: 2022-01-31. Review status: criteria provided, single submitter. Criteria: Ambry Variant Classification Scheme 2023. Collection method: clinical testing. Allele origin: germline.

NM_003776.4(MRPL40):c.13G>C (p.Val5Leu)

Genes: MRPL40 (mitochondrial ribosomal protein L40; plus strand), LOC130066955 (ATAC-STARR-seq lymphoblastoid silent region 13460; plus strand). Cytogenetic location: 22q11.21.
Variant type: single nucleotide variant.
Coding change: c.13G>C on transcript NM_003776.4 (MANE Select); coding-DNA position 13, G replaced by C.
Protein change: p.Val5Leu; replaces valine 5 with leucine.
Molecular consequence: missense variant. On other transcripts: 5 prime UTR variant (1).
Genome position (GRCh38, 1-based): chr22:19,432,567, G>C. VCF-style: chr22-19432567-G-C. GRCh37 (hg19) VCF-style: chr22-19420090-G-C.
Other names: c.-372G>C (NM_001318151.2); short protein forms V5L.
Identifiers: ClinVar variation 2353425 (VCV002353425.5), dbSNP rs199863614, ClinGen allele CA10100092.